The following is an entry in ClinVar:

NM_000070.3(CAPN3):c.1915C>A (p.Pro639Thr)

Gene: CAPN3 (calpain 3; plus strand). Cytogenetic location: 15q15.1.
Variant type: single nucleotide variant.
Coding change: c.1915C>A on transcript NM_000070.3 (MANE Select); coding-DNA position 1915, C replaced by A.
Protein change: p.Pro639Thr; replaces proline 639 with threonine.
Molecular consequence: missense variant. On other transcripts: 5 prime UTR variant (2).
Genome position (GRCh38, 1-based): chr15:42,409,303, C>A. VCF-style: chr15-42409303-C-A. GRCh37 (hg19) VCF-style: chr15-42701501-C-A.
Other names: c.1897C>A, p.Pro633Thr (NM_024344.2); c.1639C>A, p.Pro547Thr (NM_173087.2); c.379C>A, p.Pro127Thr (NM_173088.2); c.-81C>A (NM_173089.2, NM_173090.2); short protein forms P547T, P633T, P639T, P127T.
Identifiers: ClinVar variation 1440723 (VCV001440723.3), dbSNP rs758654496, ClinGen allele CA7511620.

ClinVar aggregate classification (germline): Uncertain significance (1 of 4 stars; one submission).

Conditions:
Autosomal recessive limb-girdle muscular dystrophy type 2A (LGMDR1). Also called: Muscular dystrophy, limb-girdle, type 2A, Amish; LEYDEN-MOEBIUS MUSCULAR DYSTROPHY; MUSCULAR DYSTROPHY, PELVOFEMORAL; Limb-girdle muscular dystrophy, type 2A; Calpainopathy. Identifiers: Orphanet 267, MedGen C1869123, MONDO:0009675, OMIM 253600. Disease mechanism: loss of function.

Allele frequency attached by ClinVar (database versions not stated): ExAC 0.00001; gnomAD 0.00001; gnomAD exomes 0.00001; TOPMed 0.00001.
gnomAD v4.1: 8 of 1,613,990 alleles (0.0005%); highest among the groups gnomAD compares: Non-Finnish European, 0.00068%; no homozygotes.

Submission:

Labcorp Genetics (formerly Invitae), Labcorp
Classification: Uncertain significance for Autosomal recessive limb-girdle muscular dystrophy type 2A. Last evaluated: 2022-06-14. Review status: criteria provided, single submitter. Criteria: Invitae Variant Classification Sherloc (09022015). Collection method: clinical testing. Allele origin: germline.
Comment: This sequence change replaces proline, which is neutral and non-polar, with threonine, which is neutral and polar, at codon 639 of the CAPN3 protein (p.Pro639Thr). This variant is present in population databases (rs758654496, gnomAD 0.0009%). This variant has not been reported in the literature in individuals affected with CAPN3-related conditions. Algorithms developed to predict the effect of missense changes on protein structure and function output the following: SIFT: "Tolerated"; PolyPhen-2: "Benign"; Align-GVGD: "Class C0". The threonine amino acid residue is found in multiple mammalian species, which suggests that this missense change does not adversely affect protein function. In summary, the available evidence is currently insufficient to determine the role of this variant in disease. Therefore, it has been classified as a Variant of Uncertain Significance.